The following is an entry in ClinVar:

ClinVar aggregate classification (germline): Conflicting classifications of pathogenicity. Review status: criteria provided, conflicting classifications (1 of 4 stars). 3 submissions from 3 submitters: Uncertain significance (2); Likely benign (1). Last evaluated 2025-03-10.

Conditions:
Hereditary cancer-predisposing syndrome. Also called: Hereditary neoplastic syndrome; Neoplastic Syndromes, Hereditary; Tumor predisposition; Hereditary Cancer Syndrome. Identifiers: Orphanet 140162, MedGen C0027672, MeSH D009386, MONDO:0015356.
Neuroblastoma, susceptibility to, 3. Also called: ALK-Related Neuroblastic Tumor Susceptibility. Identifiers: Orphanet 635, MedGen C2751681, MONDO:0013083, OMIM 613014.

Allele frequency attached by ClinVar (database versions not stated): gnomAD exomes below 0.00001 and 0.00001; TOPMed below 0.00001; ExAC 0.00001; gnomAD 0.00001; ESP Exome Variant Server 0.00008.
gnomAD v4.1: 12 of 1,613,138 alleles (0.00074%); highest among the groups gnomAD compares: Non-Finnish European, 0.001%; no homozygotes.

Submissions (3):

Ambry Genetics
Classification: Likely benign for Hereditary cancer-predisposing syndrome. Last evaluated: 2025-03-10. Review status: criteria provided, single submitter. Criteria: Ambry Variant Classification Scheme 2023. Collection method: clinical testing. Allele origin: germline.

Labcorp Genetics (formerly Invitae), Labcorp
Classification: Uncertain significance for Neuroblastoma, susceptibility to, 3. Last evaluated: 2025-02-25. Review status: criteria provided, single submitter. Criteria: Invitae Variant Classification Sherloc (09022015). Collection method: clinical testing. Allele origin: germline.
Comment: This sequence change replaces serine, which is neutral and polar, with asparagine, which is neutral and polar, at codon 545 of the ALK protein (p.Ser545Asn). This variant is not present in population databases (gnomAD no frequency). This variant has not been reported in the literature in individuals affected with ALK-related conditions. ClinVar contains an entry for this variant (Variation ID: 1001211). An algorithm developed to predict the effect of missense changes on protein structure and function outputs the following: PolyPhen-2: "Benign". The asparagine amino acid residue is found in multiple mammalian species, which suggests that this missense change does not adversely affect protein function. In summary, the available evidence is currently insufficient to determine the role of this variant in disease. Therefore, it has been classified as a Variant of Uncertain Significance.

Sema4
Classification: Uncertain significance for Hereditary cancer-predisposing syndrome. Last evaluated: 2021-12-02. Review status: criteria provided, single submitter. Criteria: Sema4 Curation Guidelines. Collection method: curation. Allele origin: germline.
Comment: The ALK c.1634G>A (p.S545N) variant has not been reported in the literature to our knowledge. It was observed in 1/113742 chromosomes of the Non-Finnish European subpopulation in the large and broad cohorts of the Genome Aggregation Database (PMID: 32461654). This variant has been reported in ClinVar (Variation ID: 1001211). In silico tools suggest the impact of the variant on protein function is benign, though these predictions have not been confirmed by functional studies. The evidence is insufficient to meet ACMG/AMP criteria for classifying the variant as benign or pathogenic. Thus, the clinical significance of this variant is currently uncertain.

NM_004304.5(ALK):c.1634G>A (p.Ser545Asn)

Gene: ALK (ALK receptor tyrosine kinase; minus strand). Cytogenetic location: 2p23.2.
Variant type: single nucleotide variant.
Coding change: c.1634G>A on transcript NM_004304.5 (MANE Select); coding-DNA position 1634, G replaced by A.
Protein change: p.Ser545Asn; replaces serine 545 with asparagine.
Molecular consequence: missense variant.
Genome position (GRCh38, 1-based): chr2:29,318,317, C>T on the plus strand (G>A on the coding strand, the complement: ALK is on the minus strand). VCF-style: chr2-29318317-C-T. GRCh37 (hg19) VCF-style: chr2-29541183-C-T.
Other names: c.1634G>A (NM_004304.4); short protein forms S545N.
Identifiers: ClinVar variation 1001211 (VCV001001211.12), dbSNP rs147033307, ClinGen allele CA1594586.